The following is an entry in ClinVar:

NM_006073.4(TRDN):c.658A>T (p.Lys220Ter)

Gene: TRDN (triadin; minus strand). Cytogenetic location: 6q22.31.
Variant type: single nucleotide variant.
Coding change: c.658A>T on transcript NM_006073.4 (MANE Select); coding-DNA position 658, A replaced by T.
Protein change: p.Lys220Ter; replaces lysine 220 with a stop codon.
Molecular consequence: nonsense.
Genome position (GRCh38, 1-based): chr6:123,503,854, T>A on the plus strand (A>T on the coding strand, the complement: TRDN is on the minus strand). VCF-style: chr6-123503854-T-A. GRCh37 (hg19) VCF-style: chr6-123824999-T-A.
Other names: c.658A>T, p.Lys220Ter (NM_001251987.2, NM_001256020.2, NM_001256021.2); short protein forms K220*.
Identifiers: ClinVar variation 1405401 (VCV001405401.9), dbSNP rs2114833320, ClinGen allele CA365567832.
Genomic context (GRCh38, chr6:123,503,854, plus strand): 5'-CTTCTTTTACTTTTGCAGCTGTTTGCTTCACTTTCTCCTGTTTTCCACCTTTCACTTCCT[T>A]TTTAGTCTTTTCTTCACTCTTTTCTGCAGTCTTAGCTTTCTTCTGTTCTGTATAAAGTTA-3'

ClinVar aggregate classification (germline): Uncertain significance (1 of 4 stars; one submission).

Conditions:
Catecholaminergic polymorphic ventricular tachycardia 1. Also called: VENTRICULAR TACHYCARDIA, STRESS-INDUCED POLYMORPHIC 1; VENTRICULAR TACHYCARDIA, CATECHOLAMINERGIC POLYMORPHIC, 1, WITH OR WITHOUT ATRIAL DYSFUNCTION AND/OR DILATED CARDIOMYOPATHY; RYR2-Related Catecholaminergic Polymorphic Ventricular Tachycardia. Identifiers: Orphanet 3286, MedGen C1631597, MONDO:0011484, OMIM 604772.

Submission:

Labcorp Genetics (formerly Invitae), Labcorp
Classification: Uncertain significance for Catecholaminergic polymorphic ventricular tachycardia 1. Last evaluated: 2020-12-23. Review status: criteria provided, single submitter. Criteria: Invitae Variant Classification Sherloc (09022015). Collection method: clinical testing. Allele origin: germline.
Comment: This variant has not been reported in the literature in individuals with TRDN-related conditions. In summary, the available evidence is currently insufficient to determine the role of this variant in disease. Therefore, it has been classified as a Variant of Uncertain Significance. This variant is not present in population databases (ExAC no frequency). This sequence change creates a premature translational stop signal (p.Lys220*) in the TRDN gene. It is expected to result in an absent or disrupted protein product. However, the current clinical and genetic evidence is not sufficient to establish whether loss-of-function variants in TRDN cause disease.